The following is an entry in ClinVar:

ClinVar aggregate classification (germline): Uncertain significance (1 of 4 stars; one submission).

Conditions:
Cardiovascular phenotype. Identifiers: MedGen CN230736.

Submission:

Ambry Genetics
Classification: Uncertain significance for Cardiovascular phenotype. Last evaluated: 2024-04-26. Review status: criteria provided, single submitter. Criteria: Ambry Variant Classification Scheme 2023. Collection method: clinical testing. Allele origin: germline.
Comment: The p.A2G variant (also known as c.5C>G), located in coding exon 1 of the FOXE3 gene, results from a C to G substitution at nucleotide position 5. The alanine at codon 2 is replaced by glycine, an amino acid with similar properties. This amino acid position is conserved. In addition, this alteration is predicted to be tolerated by in silico analysis. Based on the available evidence, the clinical significance of this variant remains unclear.

NM_012186.3(FOXE3):c.5C>G (p.Ala2Gly)

Genes: FOXE3 (forkhead box E3; plus strand), LINC01389 (long intergenic non-protein coding RNA 1389; minus strand). Cytogenetic location: 1p33.
Variant type: single nucleotide variant.
Coding change: c.5C>G on transcript NM_012186.3 (MANE Select); coding-DNA position 5, C replaced by G.
Protein change: p.Ala2Gly; replaces alanine 2 with glycine.
Molecular consequence: missense variant.
Genome position (GRCh38, 1-based): chr1:47,416,320, C>G. VCF-style: chr1-47416320-C-G. GRCh37 (hg19) VCF-style: chr1-47881992-C-G.
Other names: short protein forms A2G.
Identifiers: ClinVar variation 3279562 (VCV003279562.1).